The following is an entry in ClinVar:

NM_001042492.3(NF1):c.2255G>A (p.Arg752Lys)

Gene: NF1 (neurofibromin 1; plus strand). Cytogenetic location: 17q11.2.
Variant type: single nucleotide variant.
Coding change: c.2255G>A on transcript NM_001042492.3 (MANE Select); coding-DNA position 2255, G replaced by A.
Protein change: p.Arg752Lys; replaces arginine 752 with lysine.
Molecular consequence: missense variant.
Genome position (GRCh38, 1-based): chr17:31,227,221, G>A. VCF-style: chr17-31227221-G-A. GRCh37 (hg19) VCF-style: chr17-29554239-G-A.
Other names: c.2255G>A, p.Arg752Lys (NM_000267.4); short protein forms R752K.
Identifiers: ClinVar variation 1502927 (VCV001502927.6), dbSNP rs2151426839, ClinGen allele CA398982670.

ClinVar aggregate classification (germline): Uncertain significance (1 of 4 stars; one submission).

Conditions:
Neurofibromatosis, type 1 (NF1). Also called: VON RECKLINGHAUSEN DISEASE; NEUROFIBROMATOSIS, TYPE I, SOMATIC; Peripheral type neurofibromatosis; Neurofibromatosis, type I. Identifiers: Orphanet 636, MedGen C0027831, MONDO:0018975, OMIM 162200. Disease mechanism: loss of function.

gnomAD v4.1: 1 of 1,613,626 alleles (0.000062%); highest among the groups gnomAD compares: Non-Finnish European, 0.000085%; no homozygotes.

Submission:

Labcorp Genetics (formerly Invitae), Labcorp
Classification: Uncertain significance for Neurofibromatosis, type 1. Last evaluated: 2022-07-05. Review status: criteria provided, single submitter. Criteria: Invitae Variant Classification Sherloc (09022015). Collection method: clinical testing. Allele origin: germline.
Comment: ClinVar contains an entry for this variant (Variation ID: 1502927). This variant has not been reported in the literature in individuals affected with NF1-related conditions. This variant is not present in population databases (gnomAD no frequency). This sequence change replaces arginine, which is basic and polar, with lysine, which is basic and polar, at codon 752 of the NF1 protein (p.Arg752Lys). Algorithms developed to predict the effect of missense changes on protein structure and function are either unavailable or do not agree on the potential impact of this missense change (SIFT: "Tolerated"; PolyPhen-2: "Probably Damaging"; Align-GVGD: "Class C0"). In summary, the available evidence is currently insufficient to determine the role of this variant in disease. Therefore, it has been classified as a Variant of Uncertain Significance.